The following is an entry in ClinVar:

NM_000377.3(WAS):c.1156C>T (p.Pro386Ser)

Gene: WAS (WASP actin nucleation promoting factor; plus strand). Cytogenetic location: Xp11.23.
Variant type: single nucleotide variant.
Coding change: c.1156C>T on transcript NM_000377.3 (MANE Select); coding-DNA position 1156, C replaced by T.
Protein change: p.Pro386Ser; replaces proline 386 with serine.
Molecular consequence: missense variant.
Genome position (GRCh38, 1-based): chrX:48,688,884, C>T. VCF-style: chrX-48688884-C-T. GRCh37 (hg19) VCF-style: chrX-48547273-C-T.
Other names: c.1156C>T (NM_000377.2); short protein forms P386S.
Identifiers: ClinVar variation 1023401 (VCV001023401.9), dbSNP rs895243178, ClinGen allele CA329102302.

ClinVar aggregate classification (germline): Uncertain significance. Review status: criteria provided, multiple submitters, no conflicts (2 of 4 stars). 4 submissions from 4 submitters: Uncertain significance (4). Last evaluated 2025-04-13.

Conditions:
Inborn genetic diseases. Identifiers: MedGen C0950123, MeSH D030342.
Thrombocytopenia 1. Also called: X-Linked Thrombocytopenia (XLT); X-linked thrombocytopenia with normal platelets; THROMBOCYTOPENIA, X-LINKED, 1. Identifiers: Orphanet 268322, Orphanet 852, MedGen C1839163, MONDO:0010743, OMIM 313900.
Wiskott-Aldrich syndrome (WAS). Also called: ALDRICH SYNDROME; IMMUNODEFICIENCY 2; Wiskott-aldrich syndrome, somatic; WISKOTT-ALDRICH SYNDROME 1. Identifiers: Orphanet 906, MedGen C0043194, MONDO:0010518, OMIM 301000.
X-linked severe congenital neutropenia (SCNX). Identifiers: Orphanet 86788, MedGen C1845987, MONDO:0010294, OMIM 300299.

Allele frequency attached by ClinVar (database versions not stated): TOPMed below 0.00001; gnomAD 0.00001.
gnomAD v4.1: 2 of 1,164,379 alleles (0.00017%); highest among the groups gnomAD compares: Non-Finnish European, 0.00011%; no homozygotes.

Submissions (4):

Labcorp Genetics (formerly Invitae), Labcorp
Classification: Uncertain significance for Wiskott-Aldrich syndrome; X-linked severe congenital neutropenia; Thrombocytopenia 1. Last evaluated: 2025-04-13. Review status: criteria provided, single submitter. Criteria: Invitae Variant Classification Sherloc (09022015). Collection method: clinical testing. Allele origin: germline.
Comment: This sequence change replaces proline, which is neutral and non-polar, with serine, which is neutral and polar, at codon 386 of the WAS protein (p.Pro386Ser). This variant is not present in population databases (gnomAD no frequency). This variant has not been reported in the literature in individuals affected with WAS-related conditions. ClinVar contains an entry for this variant (Variation ID: 1023401). Invitae Evidence Modeling of protein sequence and biophysical properties (such as structural, functional, and spatial information, amino acid conservation, physicochemical variation, residue mobility, and thermodynamic stability) indicates that this missense variant is not expected to disrupt WAS protein function with a negative predictive value of 80%. In summary, the available evidence is currently insufficient to determine the role of this variant in disease. Therefore, it has been classified as a Variant of Uncertain Significance.

Ambry Genetics
Classification: Uncertain significance for Inborn genetic diseases. Last evaluated: 2022-11-21. Review status: criteria provided, single submitter. Criteria: Ambry Variant Classification Scheme 2023. Collection method: clinical testing. Allele origin: germline.

Fulgent Genetics
Classification: Uncertain significance for X-linked severe congenital neutropenia; Wiskott-Aldrich syndrome; Thrombocytopenia 1. Last evaluated: 2021-07-22. Review status: criteria provided, single submitter. Criteria: ACMG Guidelines, 2015. Collection method: clinical testing. Allele origin: unknown.

Breakthrough Genomics
Classification: Uncertain significance. Review status: criteria provided, single submitter. Criteria: ACMG Guidelines, 2015. Collection method: not provided. Allele origin: germline. Inheritance: X-linked recessive inheritance. Affected: yes.